The following is an entry in ClinVar:

ClinVar aggregate classification (germline): Pathogenic (1 of 4 stars; one submission).

Allele frequency attached by ClinVar (database versions not stated): ExAC 0.00001; gnomAD 0.00001; gnomAD exomes 0.00001; TOPMed 0.00001.

Submission:

Labcorp Genetics (formerly Invitae), Labcorp
Classification: Pathogenic. Last evaluated: 2023-09-26. Review status: criteria provided, single submitter. Criteria: Invitae Variant Classification Sherloc (09022015). Collection method: clinical testing. Allele origin: germline.
Comment: For these reasons, this variant has been classified as Pathogenic. This variant has not been reported in the literature in individuals affected with OTOF-related conditions. This variant is present in population databases (rs772565732, gnomAD 0.0009%). This sequence change creates a premature translational stop signal (p.Lys76*) in the OTOF gene. It is expected to result in an absent or disrupted protein product. Loss-of-function variants in OTOF are known to be pathogenic (PMID: 18381613, 19250381, 22575033).

Literature cited by the submitters: PubMed 18381613; PubMed 19250381; PubMed 22575033.

NM_194248.3(OTOF):c.226A>T (p.Lys76Ter)

Gene: OTOF (otoferlin; minus strand). Cytogenetic location: 2p23.3.
Variant type: single nucleotide variant.
Coding change: c.226A>T on transcript NM_194248.3 (MANE Select); coding-DNA position 226, A replaced by T.
Protein change: p.Lys76Ter; replaces lysine 76 with a stop codon.
Molecular consequence: nonsense.
Genome position (GRCh38, 1-based): chr2:26,527,833, T>A on the plus strand (A>T on the coding strand, the complement: OTOF is on the minus strand). VCF-style: chr2-26527833-T-A. GRCh37 (hg19) VCF-style: chr2-26750701-T-A.
Other names: c.226A>T, p.Lys76Ter (NM_001287489.2); short protein forms K76*.
Identifiers: ClinVar variation 2869844 (VCV002869844.3), dbSNP rs772565732, ClinGen allele CA1564765.